The following is an entry in ClinVar:

ClinVar aggregate classification (germline): Benign. Review status: criteria provided, single submitter (1 of 4 stars). 2 submissions from 2 submitters: Benign (1). 1 of the submissions does not count toward it. Last evaluated 2026-02-01.

Conditions:
IARS1-related disorder. Also called: IARS1-related condition.

Allele frequency attached by ClinVar (database versions not stated): ESP Exome Variant Server 0.02929; gnomAD 0.03020; 1000 Genomes Project 0.03754; ExAC 0.03949; TOPMed 0.02952; 1000 Genomes Project 30x 0.03654.
gnomAD v4.1: 64,178 of 1,613,354 alleles (4%); highest among the groups gnomAD compares: South Asian, 7.3%; 1,551 homozygotes.

Submissions (2):

Labcorp Genetics (formerly Invitae), Labcorp
Classification: Benign. Last evaluated: 2026-02-01. Review status: criteria provided, single submitter. Criteria: Invitae Variant Classification Sherloc (09022015). Collection method: clinical testing. Allele origin: germline.

PreventionGenetics, part of Exact Sciences
Classification: Benign for IARS1-related condition. Last evaluated: 2019-05-08. Review status: no assertion criteria provided. Collection method: clinical testing. Allele origin: germline. Not counted in ClinVar's aggregate classification.
Comment: This variant is classified as benign based on ACMG/AMP sequence variant interpretation guidelines (Richards et al. 2015 PMID: 25741868, with internal and published modifications).

NM_002161.6(IARS1):c.2961T>G (p.Ala987=)

Gene: IARS1 (isoleucyl-tRNA synthetase 1; minus strand). Cytogenetic location: 9q22.31.
Variant type: single nucleotide variant.
Coding change: c.2961T>G on transcript NM_002161.6 (MANE Select); coding-DNA position 2961, T replaced by G.
Protein change: p.Ala987=; no amino-acid change (alanine 987 retained).
Molecular consequence: synonymous variant. On other transcripts: non-coding transcript variant (1).
Genome position (GRCh38, 1-based): chr9:92,243,255, A>C on the plus strand (T>G on the coding strand, the complement: IARS1 is on the minus strand). VCF-style: chr9-92243255-A-C. GRCh37 (hg19) VCF-style: chr9-95005537-A-C.
Other names: c.2886T>G, p.Ala962= (NM_001374299.1, NM_001374300.1, NM_001378584.1); c.2877T>G, p.Ala959= (NM_001374301.1); c.3024T>G, p.Ala1008= (NM_001378569.1); c.2982T>G, p.Ala994= (NM_001378571.1); c.2961T>G, p.Ala987= (NM_001378572.1, NM_001378573.1, NM_001378574.1 and 9 more transcripts); c.2865T>G, p.Ala955= (NM_001378582.1); c.2838T>G, p.Ala946= (NM_001378583.1); c.2961T>G (NM_002161.5).
Identifiers: ClinVar variation 2005238 (VCV002005238.6), dbSNP rs2230405, ClinGen allele CA5122039.